The following is an entry in ClinVar:

NM_001082971.2(DDC):c.265A>G (p.Met89Val)

Genes: DDC (dopa decarboxylase; minus strand), DDC-AS1 (DDC antisense RNA 1; plus strand). Cytogenetic location: 7p12.1.
Variant type: single nucleotide variant.
Coding change: c.265A>G on transcript NM_001082971.2 (MANE Select); coding-DNA position 265, A replaced by G.
Protein change: p.Met89Val; replaces methionine 89 with valine.
Molecular consequence: missense variant. On other transcripts: non-coding transcript variant (1), intron variant (2).
Genome position (GRCh38, 1-based): chr7:50,539,965, T>C on the plus strand (A>G on the coding strand, the complement: DDC is on the minus strand). VCF-style: chr7-50539965-T-C. GRCh37 (hg19) VCF-style: chr7-50607663-T-C.
Other names: c.265A>G, p.Met89Val (NM_000790.4, NM_001242887.2, NM_001242889.2 and 1 more transcripts); c.201+3920A>G (NM_001242888.2); c.202-1986A>G (NM_001242886.2); short protein forms M89V.
Identifiers: ClinVar variation 360440 (VCV000360440.10), dbSNP rs886062376, ClinGen allele CA10626216.

ClinVar aggregate classification (germline): Uncertain significance. Review status: criteria provided, multiple submitters, no conflicts (2 of 4 stars). 2 submissions from 2 submitters: Uncertain significance (2). Last evaluated 2022-08-09.

Conditions:
Deficiency of aromatic-L-amino-acid decarboxylase. Also called: Aromatic L-Amino Acid Decarboxylase Deficiency; Aromatic amino acid decarboxylase deficiency; AADC DEFICIENCY; DDC DEFICIENCY; DOPA DECARBOXYLASE DEFICIENCY. Identifiers: Orphanet 35708, MedGen C1291564, MONDO:0012084, OMIM 608643.

Allele frequency attached by ClinVar (database versions not stated): gnomAD exomes below 0.00001 and 0.00001; gnomAD 0.00002; TOPMed 0.00002.
gnomAD v4.1: 12 of 1,613,856 alleles (0.00074%); highest among the groups gnomAD compares: Non-Finnish European, 0.001%; no homozygotes.

Submissions (2):

Labcorp Genetics (formerly Invitae), Labcorp
Classification: Uncertain significance for Deficiency of aromatic-L-amino-acid decarboxylase. Last evaluated: 2022-08-09. Review status: criteria provided, single submitter. Criteria: Invitae Variant Classification Sherloc (09022015). Collection method: clinical testing. Allele origin: germline.
Comment: In summary, the available evidence is currently insufficient to determine the role of this variant in disease. Therefore, it has been classified as a Variant of Uncertain Significance. Algorithms developed to predict the effect of missense changes on protein structure and function (SIFT, PolyPhen-2, Align-GVGD) all suggest that this variant is likely to be tolerated. ClinVar contains an entry for this variant (Variation ID: 360440). This variant has not been reported in the literature in individuals affected with DDC-related conditions. This variant is present in population databases (no rsID available, gnomAD 0.0009%). This sequence change replaces methionine, which is neutral and non-polar, with valine, which is neutral and non-polar, at codon 89 of the DDC protein (p.Met89Val).

Illumina Laboratory Services, Illumina
Classification: Uncertain significance for Deficiency of aromatic-L-amino-acid decarboxylase. Last evaluated: 2018-01-13. Review status: criteria provided, single submitter. Criteria: ICSL Variant Classification Criteria 13 December 2019. Collection method: clinical testing. Allele origin: germline.